The following is an entry in ClinVar:

ClinVar aggregate classification (germline): Uncertain significance (1 of 4 stars; one submission).

Submission:

Labcorp Genetics (formerly Invitae), Labcorp
Classification: Uncertain significance. Last evaluated: 2022-02-24. Review status: criteria provided, single submitter. Criteria: Invitae Variant Classification Sherloc (09022015). Collection method: clinical testing. Allele origin: germline.
Comment: Algorithms developed to predict the effect of missense changes on protein structure and function are either unavailable or do not agree on the potential impact of this missense change (SIFT: "Not Available"; PolyPhen-2: "Benign"; Align-GVGD: "Not Available"). This variant has not been reported in the literature in individuals affected with CDH3-related conditions. This variant is not present in population databases (gnomAD no frequency). This sequence change replaces aspartic acid with glycine at codon 197 of the CDH3 protein (p.Asp197Gly). The aspartic acid residue is weakly conserved and there is a moderate physicochemical difference between aspartic acid and glycine. In summary, the available evidence is currently insufficient to determine the role of this variant in disease. Therefore, it has been classified as a Variant of Uncertain Significance.

NM_001793.6(CDH3):c.590A>G (p.Asp197Gly)

Gene: CDH3 (cadherin 3; plus strand). Cytogenetic location: 16q22.1.
Variant type: single nucleotide variant.
Coding change: c.590A>G on transcript NM_001793.6 (MANE Select); coding-DNA position 590, A replaced by G.
Protein change: p.Asp197Gly; replaces aspartic acid 197 with glycine.
Molecular consequence: missense variant.
Genome position (GRCh38, 1-based): chr16:68,678,805, A>G. VCF-style: chr16-68678805-A-G. GRCh37 (hg19) VCF-style: chr16-68712708-A-G.
Other names: c.590A>G, p.Asp197Gly (NM_001317195.3); c.425A>G, p.Asp142Gly (NM_001317196.2); short protein forms D142G, D197G.
Identifiers: ClinVar variation 1437196 (VCV001437196.8), dbSNP rs2152100177, ClinGen allele CA396449450.